The following is an entry in ClinVar:

ClinVar aggregate classification (germline): Pathogenic (1 of 4 stars; one submission).

Conditions:
Intellectual developmental disorder with speech delay, autism, and dysmorphic facies. Identifiers: MedGen C5231456, MONDO:0032864, OMIM 618672.

Submission:

Illumina Laboratory Services, Illumina
Classification: Pathogenic for Intellectual developmental disorder with speech delay, autism, and dysmorphic facies. Last evaluated: 2023-03-21. Review status: criteria provided, single submitter. Criteria: ICSLVariantClassificationCriteria RUGD 01 April 2020. Collection method: clinical testing. Allele origin: unknown.
Comment: The CNOT3 c.1155_1168dup (p.Pro390ArgfsTer58) variant is a frameshift variant that is predicted to result in premature termination of the protein. Loss of normal protein function through either protein truncation or nonsense-mediated mRNA decay is expected. To our knowledge, this variant has not been reported in the peer-reviewed literature. This variant is not found in version 2.1.1 or version 3.1.2 of the Genome Aggregation Database. This variant was identified in a de novo state. Based on the available evidence, the c.1155_1168dup (p.Pro390ArgfsTer58) variant is classified as pathogenic for intellectual developmental disorder with speech delay, autism, and dysmorphic facies.

NM_014516.4(CNOT3):c.1155_1168dup (p.Pro390fs)

Gene: CNOT3 (CCR4-NOT transcription complex subunit 3; plus strand). Cytogenetic location: 19q13.42.
Variant type: Duplication.
Coding change: c.1155_1168dup on transcript NM_014516.4 (MANE Select); coding-DNA positions 1155 to 1168, 14 bases duplicated (GACCCAGCCCCGGC).
Protein change: p.Pro390fs; shifts the reading frame from proline 390.
Molecular consequence: frameshift variant.
Genome position (GRCh38, 1-based): chr19:54,148,408-54,148,421, GACCCAGCCCCGGC duplicated; duplicating any 14 consecutive bases within chr19:54,148,407-54,148,421 gives the same sequence; the c. name uses the placement nearest the transcript's 3' end. VCF-style (leftmost placement, unchanged base first): chr19-54148406-A-ACGACCCAGCCCCGG. GRCh37 (hg19) VCF-style: chr19-54652141-A-ACGACCCAGCCCCGG.
Other names: short protein forms P390fs.
Identifiers: ClinVar variation 2573108 (VCV002573108.1), dbSNP rs2518058484, ClinGen allele CA2580614974.